The following is an entry in ClinVar:

NM_013372.7(GREM1):c.482T>A (p.Leu161Gln)

Gene: GREM1 (gremlin 1, DAN family BMP antagonist; plus strand). Cytogenetic location: 15q13.3.
Variant type: single nucleotide variant.
Coding change: c.482T>A on transcript NM_013372.7 (MANE Select); coding-DNA position 482, T replaced by A.
Protein change: p.Leu161Gln; replaces leucine 161 with glutamine.
Molecular consequence: missense variant.
Genome position (GRCh38, 1-based): chr15:32,731,172, T>A. VCF-style: chr15-32731172-T-A. GRCh37 (hg19) VCF-style: chr15-33023373-T-A.
Other names: c.272T>A, p.Leu91Gln (NM_001191322.2); c.359T>A, p.Leu120Gln (NM_001191323.2); c.482T>A, p.Leu161Gln (NM_001368719.1); short protein forms L161Q, L120Q, L91Q.
Identifiers: ClinVar variation 4643437 (VCV004643437.1).

ClinVar aggregate classification (germline): Uncertain significance (1 of 4 stars; one submission).

Conditions:
Hereditary cancer-predisposing syndrome. Also called: Neoplastic Syndromes, Hereditary; Tumor predisposition; Hereditary Cancer Syndrome; Hereditary neoplastic syndrome. Identifiers: Orphanet 140162, MedGen C0027672, MeSH D009386, MONDO:0015356.

Submission:

Ambry Genetics
Classification: Uncertain significance for Hereditary cancer-predisposing syndrome. Last evaluated: 2025-10-22. Review status: criteria provided, single submitter. Criteria: Ambry Variant Classification Scheme 2023. Collection method: clinical testing. Allele origin: germline.
Comment: The p.L161Q variant (also known as c.482T>A), located in coding exon 1 of the GREM1 gene, results from a T to A substitution at nucleotide position 482. The leucine at codon 161 is replaced by glutamine, an amino acid with dissimilar properties. This amino acid position is conserved. In addition, this alteration is predicted to be tolerated by in silico analysis. Based on the available evidence, the clinical significance of this variant remains unclear.